The following is an entry in ClinVar:

ClinVar aggregate classification (germline): Uncertain significance (1 of 4 stars; one submission).

Conditions:
Congenital sideroblastic anemia-B-cell immunodeficiency-periodic fever-developmental delay syndrome. Also called: Sideroblastic anemia with B-cell immunodeficiency, periodic fevers, and developmental delay. Identifiers: Orphanet 369861, MedGen C4015172, MONDO:0014487, OMIM 616084.

gnomAD v4.1: 1 of 1,613,586 alleles (0.000062%); no homozygotes.

Submission:

Labcorp Genetics (formerly Invitae), Labcorp
Classification: Uncertain significance for Congenital sideroblastic anemia-B-cell immunodeficiency-periodic fever-developmental delay syndrome. Last evaluated: 2022-03-28. Review status: criteria provided, single submitter. Criteria: Invitae Variant Classification Sherloc (09022015). Collection method: clinical testing. Allele origin: germline.
Comment: In summary, the available evidence is currently insufficient to determine the role of this variant in disease. Therefore, it has been classified as a Variant of Uncertain Significance. Algorithms developed to predict the effect of sequence changes on RNA splicing suggest that this variant may disrupt the consensus splice site. Algorithms developed to predict the effect of missense changes on protein structure and function output the following: SIFT: "Tolerated"; PolyPhen-2: "Benign"; Align-GVGD: "Class C0". The asparagine amino acid residue is found in multiple mammalian species, which suggests that this missense change does not adversely affect protein function. This variant has not been reported in the literature in individuals affected with TRNT1-related conditions. This variant is not present in population databases (gnomAD no frequency). This sequence change replaces histidine, which is basic and polar, with asparagine, which is neutral and polar, at codon 256 of the TRNT1 protein (p.His256Asn).

NM_182916.3(TRNT1):c.766C>A (p.His256Asn)

Gene: TRNT1 (tRNA nucleotidyl transferase 1; plus strand). Cytogenetic location: 3p26.2.
Variant type: single nucleotide variant.
Coding change: c.766C>A on transcript NM_182916.3 (MANE Select); coding-DNA position 766, C replaced by A.
Protein change: p.His256Asn; replaces histidine 256 with asparagine.
Molecular consequence: missense variant. On other transcripts: non-coding transcript variant (6), intron variant (1).
Genome position (GRCh38, 1-based): chr3:3,146,587, C>A. VCF-style: chr3-3146587-C-A. GRCh37 (hg19) VCF-style: chr3-3188271-C-A.
Other names: c.766C>A, p.His256Asn (NM_001367321.1, NM_001367322.1, NM_001367323.1); c.742+24C>A (NM_001302946.2); short protein forms H256N.
Identifiers: ClinVar variation 2131037 (VCV002131037.4), dbSNP rs955405539, ClinGen allele CA68734462.
Genomic context (GRCh38, chr3:3,146,587, plus strand): 5'-GAAAGGATTTGGGTGGAACTGAAAAAAATTCTTGTTGGTAACCATGTAAATCATTTGATT[C>A]ACCTTATCTATGATCTTGATGTGGCTCCTTATATAGGTGAGAGCAAGTTATAAAGTGTTT-3'
Protein context (NP_886552.3, residues 246-266): LVGNHVNHLI[His256Asn]LIYDLDVAPY